The following is an entry in ClinVar:

NM_002267.4(KPNA3):c.217C>G (p.Leu73Val)

Gene: KPNA3 (karyopherin subunit alpha 3; minus strand). Cytogenetic location: 13q14.2.
Variant type: single nucleotide variant.
Coding change: c.217C>G on transcript NM_002267.4 (MANE Select); coding-DNA position 217, C replaced by G.
Protein change: p.Leu73Val; replaces leucine 73 with valine.
Molecular consequence: missense variant.
Genome position (GRCh38, 1-based): chr13:49,732,764, G>C on the plus strand (C>G on the coding strand, the complement: KPNA3 is on the minus strand). VCF-style: chr13-49732764-G-C. GRCh37 (hg19) VCF-style: chr13-50306900-G-C.
Other names: short protein forms L73V.
Identifiers: ClinVar variation 3369044 (VCV003369044.1).

ClinVar aggregate classification (germline): Uncertain significance (1 of 4 stars; one submission).

gnomAD v4.1: 4 of 1,574,068 alleles (0.00025%); highest among the groups gnomAD compares: Non-Finnish European, 0.00026%; no homozygotes.

Submission:

GeneDx
Classification: Uncertain significance. Last evaluated: 2024-02-22. Review status: criteria provided, single submitter. Criteria: GeneDx Variant Classification Process June 2021. Collection method: clinical testing. Allele origin: germline. Affected: yes.
Comment: Not observed at significant frequency in large population cohorts (gnomAD); In silico analysis supports that this missense variant does not alter protein structure/function; Has not been previously published as pathogenic or benign to our knowledge